The following is an entry in ClinVar:

ClinVar aggregate classification (germline): Uncertain significance (1 of 4 stars; one submission).

gnomAD v4.1: 2 of 1,614,058 alleles (0.00012%); highest among the groups gnomAD compares: Middle Eastern, 0.016%; no homozygotes.

Submission:

Labcorp Genetics (formerly Invitae), Labcorp
Classification: Uncertain significance. Last evaluated: 2024-02-10. Review status: criteria provided, single submitter. Criteria: Invitae Variant Classification Sherloc (09022015). Collection method: clinical testing. Allele origin: germline.
Comment: This sequence change replaces glutamic acid, which is acidic and polar, with lysine, which is basic and polar, at codon 2702 of the COL7A1 protein (p.Glu2702Lys). This variant is not present in population databases (gnomAD no frequency). This variant has not been reported in the literature in individuals affected with COL7A1-related conditions. Advanced modeling of protein sequence and biophysical properties (such as structural, functional, and spatial information, amino acid conservation, physicochemical variation, residue mobility, and thermodynamic stability) performed at Invitae indicates that this missense variant is not expected to disrupt COL7A1 protein function with a negative predictive value of 95%. In summary, the available evidence is currently insufficient to determine the role of this variant in disease. Therefore, it has been classified as a Variant of Uncertain Significance.

NM_000094.4(COL7A1):c.8104G>A (p.Glu2702Lys)

Gene: COL7A1 (collagen type VII alpha 1 chain; minus strand). Cytogenetic location: 3p21.31.
Variant type: single nucleotide variant.
Coding change: c.8104G>A on transcript NM_000094.4 (MANE Select); coding-DNA position 8104, G replaced by A.
Protein change: p.Glu2702Lys; replaces glutamic acid 2702 with lysine.
Molecular consequence: missense variant.
Genome position (GRCh38, 1-based): chr3:48,567,133, C>T on the plus strand (G>A on the coding strand, the complement: COL7A1 is on the minus strand). VCF-style: chr3-48567133-C-T. GRCh37 (hg19) VCF-style: chr3-48604566-C-T.
Other names: short protein forms E2702K.
Identifiers: ClinVar variation 3674237 (VCV003674237.2).
Genomic context (GRCh38, chr3:48,567,133, plus strand): 5'-CCTCTCCCAAAGTGCACGCTCCCCTCAATTCACCATGACCATGGCTTCAACTCACCCGCT[C>T]CCCTTTCTCGCCCTGGTCACCCTTGGGGCCTGGCTGCCCGTCAAAGCCTCGGTCACCCTG-3'
Protein context (NP_000085.1, residues 2692-2712): GPKGDQGEKG[Glu2702Lys]RGTPGIGGFP